The following is an entry in ClinVar:

NM_000179.3(MSH6):c.1587T>G (p.Gly529=)

Gene: MSH6 (mutS homolog 6; plus strand). Cytogenetic location: 2p16.3.
Variant type: single nucleotide variant.
Coding change: c.1587T>G on transcript NM_000179.3 (MANE Select); coding-DNA position 1587, T replaced by G.
Protein change: p.Gly529=; no amino-acid change (glycine 529 retained).
Molecular consequence: synonymous variant.
Genome position (GRCh38, 1-based): chr2:47,799,570, T>G. VCF-style: chr2-47799570-T-G. GRCh37 (hg19) VCF-style: chr2-48026709-T-G.
Other names: c.1197T>G, p.Gly399= (NM_001281492.2); c.681T>G, p.Gly227= (NM_001281493.2, NM_001281494.2).
Identifiers: ClinVar variation 483858 (VCV000483858.19), dbSNP rs764396869, ClinGen allele CA067874.

ClinVar aggregate classification (germline): Benign/Likely benign. Review status: criteria provided, multiple submitters, no conflicts (2 of 4 stars). 5 submissions from 5 submitters: Benign (1); Likely benign (4). Last evaluated 2025-12-10.

Conditions:
Hereditary nonpolyposis colorectal neoplasms. Identifiers: MedGen C0009405, MeSH D003123.
Hereditary cancer-predisposing syndrome. Also called: Neoplastic Syndromes, Hereditary; Tumor predisposition; Hereditary Cancer Syndrome; Hereditary neoplastic syndrome. Identifiers: Orphanet 140162, MedGen C0027672, MeSH D009386, MONDO:0015356.
Lynch syndrome 5 (LYNCH5). Also called: Colorectal cancer, hereditary nonpolyposis, type 5; Hereditary non-polyposis colorectal cancer, type 5. Identifiers: Orphanet 144, MedGen C1833477, MONDO:0013710, OMIM 614350. Disease mechanism: loss of function.

Allele frequency attached by ClinVar (database versions not stated): gnomAD exomes below 0.00001 and 0.00001; gnomAD 0.00001; ExAC 0.00002.
gnomAD v4.1: 3 of 1,614,076 alleles (0.00019%); highest among the groups gnomAD compares: Admixed American, 0.005%; no homozygotes.

Submissions (5):

Labcorp Genetics (formerly Invitae), Labcorp
Classification: Likely benign for Hereditary nonpolyposis colorectal neoplasms. Last evaluated: 2025-12-10. Review status: criteria provided, single submitter. Criteria: Invitae Variant Classification Sherloc (09022015). Collection method: clinical testing. Allele origin: germline.

Myriad Genetics, Inc.
Classification: Benign for Lynch syndrome 5. Last evaluated: 2024-12-27. Review status: criteria provided, single submitter. Criteria: Myriad Autosomal Dominant, Autosomal Recessive and X-Linked Classification Criteria (2023). Collection method: clinical testing. Allele origin: unknown.
Comment: This variant is considered benign. This variant is a silent/synonymous amino acid change and it is not expected to impact splicing.

Women's Health and Genetics/Laboratory Corporation of America, LabCorp
Classification: Likely benign. Last evaluated: 2021-05-10. Review status: criteria provided, single submitter. Criteria: LabCorp Variant Classification Summary - May 2015. Collection method: clinical testing. Allele origin: germline.

Quest Diagnostics Nichols Institute San Juan Capistrano
Classification: Likely benign. Last evaluated: 2020-04-30. Review status: criteria provided, single submitter. Criteria: Quest Diagnostics criteria. Collection method: clinical testing. Allele origin: unknown.

Ambry Genetics
Classification: Likely benign for Hereditary cancer-predisposing syndrome. Last evaluated: 2017-05-11. Review status: criteria provided, single submitter. Criteria: Ambry Variant Classification Scheme 2023. Collection method: clinical testing. Allele origin: germline.